The following is an entry in ClinVar:

ClinVar aggregate classification (germline): Uncertain significance (1 of 4 stars; one submission).

Submission:

Labcorp Genetics (formerly Invitae), Labcorp
Classification: Uncertain significance. Last evaluated: 2022-08-02. Review status: criteria provided, single submitter. Criteria: Invitae Variant Classification Sherloc (09022015). Collection method: clinical testing. Allele origin: germline.
Comment: Algorithms developed to predict the effect of missense changes on protein structure and function (SIFT, PolyPhen-2, Align-GVGD) all suggest that this variant is likely to be disruptive. This variant has not been reported in the literature in individuals affected with POLE-related conditions. This variant is not present in population databases (gnomAD no frequency). This sequence change replaces leucine, which is neutral and non-polar, with proline, which is neutral and non-polar, at codon 1526 of the POLE protein (p.Leu1526Pro). In summary, the available evidence is currently insufficient to determine the role of this variant in disease. Therefore, it has been classified as a Variant of Uncertain Significance.

NM_006231.4(POLE):c.4577T>C (p.Leu1526Pro)

Gene: POLE (DNA polymerase epsilon, catalytic subunit; minus strand). Cytogenetic location: 12q24.33.
Variant type: single nucleotide variant.
Coding change: c.4577T>C on transcript NM_006231.4 (MANE Select); coding-DNA position 4577, T replaced by C.
Protein change: p.Leu1526Pro; replaces leucine 1526 with proline.
Molecular consequence: missense variant.
Genome position (GRCh38, 1-based): chr12:132,642,971, A>G on the plus strand (T>C on the coding strand, the complement: POLE is on the minus strand). VCF-style: chr12-132642971-A-G. GRCh37 (hg19) VCF-style: chr12-133219557-A-G.
Other names: short protein forms L1526P.
Identifiers: ClinVar variation 1714336 (VCV001714336.3), dbSNP rs2138542876, ClinGen allele CA387379288.